The following is an entry in ClinVar:

ClinVar aggregate classification (germline): Pathogenic (1 of 4 stars; one submission).

Conditions:
Developmental and epileptic encephalopathy, 37 (DEE37). Also called: Epileptic encephalopathy, early infantile, 37. Identifiers: MedGen C4310770, MONDO:0014859, OMIM 616981.

Submission:

Labcorp Genetics (formerly Invitae), Labcorp
Classification: Pathogenic for Developmental and epileptic encephalopathy, 37. Last evaluated: 2025-06-15. Review status: criteria provided, single submitter. Criteria: Invitae Variant Classification Sherloc (09022015). Collection method: clinical testing. Allele origin: germline.
Comment: This sequence change creates a premature translational stop signal (p.Tyr160*) in the FRRS1L gene. It is expected to result in an absent or disrupted protein product. Loss-of-function variants in FRRS1L are known to be pathogenic (PMID: 27236917). This variant is not present in population databases (gnomAD no frequency). This variant has not been reported in the literature in individuals affected with FRRS1L-related conditions. For these reasons, this variant has been classified as Pathogenic.

Literature cited by the submitters: PubMed 27236917.

NM_014334.4(FRRS1L):c.327del (p.Arg108_Tyr109insTer)

Gene: FRRS1L (ferric chelate reductase 1 like; minus strand). Cytogenetic location: 9q31.3.
Variant type: Deletion.
Coding change: c.327del on transcript NM_014334.4 (MANE Select); coding-DNA position 327, one base deleted (T; older notation c.327delT).
Protein change: p.Arg108_Tyr109insTer.
Molecular consequence: nonsense.
Genome position (GRCh38, 1-based): chr9:109,147,186, A deleted on the plus strand (T on the coding strand, the reverse complement: FRRS1L is on the minus strand). VCF-style (leftmost placement, unchanged base first): chr9-109147185-CA-C. GRCh37 (hg19) VCF-style: chr9-111909465-CA-C.
Identifiers: ClinVar variation 4721448 (VCV004721448.1).